The following is an entry in ClinVar:

ClinVar aggregate classification (germline): Likely benign. Review status: criteria provided, multiple submitters, no conflicts (2 of 4 stars). 3 submissions from 3 submitters: Likely benign (2). 1 of the submissions does not count toward it. Last evaluated 2025-12-02.

Conditions:
ACTA1-related disorder. Also called: ACTA1-related condition.
Actin accumulation myopathy (CMYO2A). Also called: Myopathy, actin, congenital, with excess of thin myofilaments; Nemaline myopathy type 3; CONGENITAL MYOPATHY 2A, TYPICAL, AUTOSOMAL DOMINANT; Myopathy, actin, congenital, with cores; Nemaline myopathy 3, with intranuclear rods. Identifiers: Orphanet 98904, MedGen C3711389, MONDO:0008070, OMIM 161800.

Allele frequency attached by ClinVar (database versions not stated): gnomAD exomes 0.00002 and 0.00006; ExAC 0.00008; ESP Exome Variant Server 0.00015; gnomAD 0.00017 and 0.00019; TOPMed 0.00026.

Submissions (3):

Labcorp Genetics (formerly Invitae), Labcorp
Classification: Likely benign for Actin accumulation myopathy. Last evaluated: 2025-12-02. Review status: criteria provided, single submitter. Criteria: Invitae Variant Classification Sherloc (09022015). Collection method: clinical testing. Allele origin: germline.

Blueprint Genetics
Classification: Likely benign. Last evaluated: 2020-03-06. Review status: criteria provided, single submitter. Criteria: ACMG Guidelines, 2015. Collection method: clinical testing. Allele origin: germline.

PreventionGenetics, part of Exact Sciences
Classification: Likely benign for ACTA1-related condition. Last evaluated: 2023-12-20. Review status: no assertion criteria provided. Collection method: clinical testing. Allele origin: germline. Not counted in ClinVar's aggregate classification.
Comment: This variant is classified as likely benign based on ACMG/AMP sequence variant interpretation guidelines (Richards et al. 2015 PMID: 25741868, with internal and published modifications).

NM_001100.4(ACTA1):c.546G>A (p.Leu182=)

Gene: ACTA1 (actin alpha 1, skeletal muscle; minus strand). Cytogenetic location: 1q42.13.
Variant type: single nucleotide variant.
Coding change: c.546G>A on transcript NM_001100.4 (MANE Select); coding-DNA position 546, G replaced by A.
Protein change: p.Leu182=; no amino-acid change (leucine 182 retained).
Molecular consequence: synonymous variant.
Genome position (GRCh38, 1-based): chr1:229,432,340, C>T on the plus strand (G>A on the coding strand, the complement: ACTA1 is on the minus strand). VCF-style: chr1-229432340-C-T. GRCh37 (hg19) VCF-style: chr1-229568087-C-T.
Other names: c.546G>A (NM_001100.3).
Identifiers: ClinVar variation 1159785 (VCV001159785.18), dbSNP rs369670582, ClinGen allele CA1442843.
Genomic context (GRCh38, chr1:229,432,340, plus strand): 5'-GAAGGAGTAGCCACGCTCAGTGAGGATCTTCATCAGGTAGTCGGTGAGATCGCGGCCCGC[C>T]AGGTCCAGGCGCATGATGGCGTGCGGCAGCGCGTAGCCCTCATAAATGGGCACGTTGTGG-3'
Protein context (NP_001091.1, residues 172-192): ALPHAIMRLD[Leu182=]AGRDLTDYLM